The following is an entry in ClinVar:

ClinVar aggregate classification (germline): Likely pathogenic (1 of 4 stars; one submission).

Conditions:
Interstitial lung disease due to ABCA3 deficiency. Also called: PULMONARY ALVEOLAR PROTEINOSIS, CONGENITAL, 3. Identifiers: Orphanet 440402, MedGen C1970456, MONDO:0012582, OMIM 610921.

Submission:

Rady Children's Institute for Genomic Medicine, Rady Children's Hospital San Diego
Classification: Likely pathogenic for SURFACTANT METABOLISM DYSFUNCTION, PULMONARY, 3. Last evaluated: 2020-02-12. Review status: criteria provided, single submitter. Criteria: ACMG Guidelines, 2015. Collection method: clinical testing. Allele origin: germline. Affected: yes.
Comment: This variant has not been previously reported or functionally characterized in the literature to our knowledge. It is absent from the ExAC and gnomAD population databases and thus is presumed to be rare. The c.233G>C (p.Trp78Ser) variant is predicted by multiple in silico tools to have a deleterious effect on protein function. Based on the available evidence, the c.233G>C (p.Trp78Ser) variant is classified as Likely Pathogenic.

NM_001089.3(ABCA3):c.233G>C (p.Trp78Ser)

Gene: ABCA3 (ATP binding cassette subfamily A member 3; minus strand). Cytogenetic location: 16p13.3.
Variant type: single nucleotide variant.
Coding change: c.233G>C on transcript NM_001089.3 (MANE Select); coding-DNA position 233, G replaced by C.
Protein change: p.Trp78Ser; replaces tryptophan 78 with serine.
Molecular consequence: missense variant.
Genome position (GRCh38, 1-based): chr16:2,326,096, C>G on the plus strand (G>C on the coding strand, the complement: ABCA3 is on the minus strand). VCF-style: chr16-2326096-C-G. GRCh37 (hg19) VCF-style: chr16-2376097-C-G.
Other names: short protein forms W78S.
Identifiers: ClinVar variation 984944 (VCV000984944.1), dbSNP rs2093733845, ClinGen allele CA394352168.
Genomic context (GRCh38, chr16:2,326,096, plus strand): 5'-CGCACTGTCTCAGTGACGGTCTTGGCAGCGTCACTGTGAGAAGGGATGTAGGCAAGCTCC[C>G]AGGTGTCTCCTGGCGGAGGGAAGGTGAAGAACAGAGGCAGCTCCTGGATGGACTGGCCCG-3'
Protein context (NP_001080.2, residues 68-88): FFTFPPPGDT[Trp78Ser]ELAYIPSHSD